The following is an entry in ClinVar:

NM_014014.5(SNRNP200):c.1963C>A (p.Leu655Ile)

Gene: SNRNP200 (small nuclear ribonucleoprotein U5 subunit 200; minus strand). Cytogenetic location: 2q11.2.
Variant type: single nucleotide variant.
Coding change: c.1963C>A on transcript NM_014014.5 (MANE Select); coding-DNA position 1963, C replaced by A.
Protein change: p.Leu655Ile; replaces leucine 655 with isoleucine.
Molecular consequence: missense variant.
Genome position (GRCh38, 1-based): chr2:96,293,389, G>T on the plus strand (C>A on the coding strand, the complement: SNRNP200 is on the minus strand). VCF-style: chr2-96293389-G-T. GRCh37 (hg19) VCF-style: chr2-96959127-G-T.
Other names: short protein forms L655I.
Identifiers: ClinVar variation 4746938 (VCV004746938.1).

ClinVar aggregate classification (germline): Uncertain significance (1 of 4 stars; one submission).

Submission:

Labcorp Genetics (formerly Invitae), Labcorp
Classification: Uncertain significance. Last evaluated: 2026-01-14. Review status: criteria provided, single submitter. Criteria: Invitae Variant Classification Sherloc (09022015). Collection method: clinical testing. Allele origin: germline.
Comment: This sequence change replaces leucine, which is neutral and non-polar, with isoleucine, which is neutral and non-polar, at codon 655 of the SNRNP200 protein (p.Leu655Ile). This variant is not present in population databases (gnomAD no frequency). This variant has not been reported in the literature in individuals affected with SNRNP200-related conditions. Invitae Evidence Modeling of protein sequence and biophysical properties (such as structural, functional, and spatial information, amino acid conservation, physicochemical variation, residue mobility, and thermodynamic stability) has been performed for this missense variant. However, the output from this modeling did not meet the statistical confidence thresholds required to predict the impact of this variant on SNRNP200 protein function. In summary, the available evidence is currently insufficient to determine the role of this variant in disease. Therefore, it has been classified as a Variant of Uncertain Significance.